The following is an entry in ClinVar:

NM_001048174.2(MUTYH):c.1484G>A (p.Arg495His)

Gene: MUTYH (mutY DNA glycosylase; minus strand). Cytogenetic location: 1p34.1.
Variant type: single nucleotide variant.
Coding change: c.1484G>A on transcript NM_001048174.2 (MANE Select); coding-DNA position 1484, G replaced by A.
Protein change: p.Arg495His; replaces arginine 495 with histidine.
Molecular consequence: missense variant. On other transcripts: non-coding transcript variant (2).
Genome position (GRCh38, 1-based): chr1:45,329,388, C>T on the plus strand (G>A on the coding strand, the complement: MUTYH is on the minus strand). VCF-style: chr1-45329388-C-T. GRCh37 (hg19) VCF-style: chr1-45795060-C-T.
Other names: c.1484G>A, p.Arg495His (NM_001048171.2, NM_001048173.2, NM_001293195.2); c.1487G>A, p.Arg496His (NM_001048172.2); c.1568G>A, p.Arg523His (NM_001128425.2); c.1529G>A, p.Arg510His (NM_001293190.2); c.1517G>A, p.Arg506His (NM_001293191.2); c.1208G>A, p.Arg403His (NM_001293192.2, NM_001293196.2); c.1139G>A, p.Arg380His (NM_001350650.2, NM_001350651.2); c.1559G>A, p.Arg520His (NM_012222.3); short protein forms R523H, R403H, R495H, R380H, R506H, R510H, R496H, R520H.
Identifiers: ClinVar variation 464702 (VCV000464702.19), dbSNP rs374655042, ClinGen allele CA056971.

ClinVar aggregate classification (germline): Conflicting classifications of pathogenicity. Review status: criteria provided, conflicting classifications (1 of 4 stars). 5 submissions from 5 submitters: Uncertain significance (3); Likely benign (2). Last evaluated 2025-01-24.

Conditions:
Gastric cancer. Also called: Stomach cancer; Malignant tumor of stomach. Identifiers: MedGen C0024623, MeSH D013274, MONDO:0001056, OMIM 613659, HP:0012126.
Familial adenomatous polyposis 2. Also called: MUTYH-related attenuated familial adenomatous polyposis; COLORECTAL ADENOMATOUS POLYPOSIS, AUTOSOMAL RECESSIVE; ADENOMAS, MULTIPLE COLORECTAL, AUTOSOMAL RECESSIVE; MYH-associated polyposis; FAP type 2; MUTYH Polyposis. Identifiers: Orphanet 220460, Orphanet 247798, MedGen C3272841, MONDO:0012041, OMIM 608456.
Hereditary cancer-predisposing syndrome. Also called: Tumor predisposition; Hereditary neoplastic syndrome; Neoplastic Syndromes, Hereditary; Hereditary Cancer Syndrome. Identifiers: Orphanet 140162, MedGen C0027672, MeSH D009386, MONDO:0015356.

Allele frequency attached by ClinVar (database versions not stated): ExAC 0.00001; gnomAD 0.00001; gnomAD exomes 0.00001.

Submissions (5):

Labcorp Genetics (formerly Invitae), Labcorp
Classification: Uncertain significance for Familial adenomatous polyposis 2. Last evaluated: 2025-01-24. Review status: criteria provided, single submitter. Criteria: Invitae Variant Classification Sherloc (09022015). Collection method: clinical testing. Allele origin: germline.
Comment: This sequence change replaces arginine, which is basic and polar, with histidine, which is basic and polar, at codon 523 of the MUTYH protein (p.Arg523His). This variant is present in population databases (rs374655042, gnomAD 0.003%). This variant has not been reported in the literature in individuals affected with MUTYH-related conditions. ClinVar contains an entry for this variant (Variation ID: 464702). An algorithm developed to predict the effect of missense changes on protein structure and function (PolyPhen-2) suggests that this variant is likely to be tolerated. In summary, the available evidence is currently insufficient to determine the role of this variant in disease. Therefore, it has been classified as a Variant of Uncertain Significance.

Women's Health and Genetics/Laboratory Corporation of America, LabCorp
Classification: Uncertain significance. Last evaluated: 2022-09-26. Review status: criteria provided, single submitter. Criteria: LabCorp Variant Classification Summary - May 2015. Collection method: clinical testing. Allele origin: germline.
Comment: Variant summary: MUTYH c.1568G>A (p.Arg523His) results in a non-conservative amino acid change in the encoded protein sequence. Four of five in-silico tools predict a benign effect of the variant on protein function. The variant allele was found at a frequency of 8e-06 in 251482 control chromosomes (gnomAD). The available data on variant occurrences in the general population are insufficient to allow any conclusion about variant significance. To our knowledge, no occurrence of c.1568G>A in individuals affected with MUTYH-Associated Polyposis and no experimental evidence demonstrating its impact on protein function have been reported. Three clinical diagnostic laboratories have submitted clinical-significance assessments for this variant to ClinVar after 2014 and classified the variant as VUS (n=1) and likely benign (n=2). Based on the evidence outlined above, the variant was classified as uncertain significance.

Department of Pathology and Laboratory Medicine, Sinai Health System
Classification: Uncertain significance for Gastric cancer; Familial adenomatous polyposis 2. Last evaluated: 2022-04-07. Review status: criteria provided, single submitter. Criteria: ACMG Guidelines, 2015. Collection method: clinical testing. Allele origin: germline. Affected: yes.

Ambry Genetics
Classification: Likely benign for Hereditary cancer-predisposing syndrome. Last evaluated: 2019-02-22. Review status: criteria provided, single submitter. Criteria: Ambry Variant Classification Scheme 2023. Collection method: clinical testing. Allele origin: germline.

Color Diagnostics, LLC DBA Color Health
Classification: Likely benign for Hereditary cancer-predisposing syndrome. Last evaluated: 2017-05-19. Review status: criteria provided, single submitter. Criteria: ACMG Guidelines, 2015. Collection method: clinical testing. Allele origin: germline.

Literature cited by the submitters: PubMed 26694661 (cited by Department of Pathology and Laboratory Medicine, Sinai Health System and Ambry Genetics).